The following is an entry in ClinVar:

NM_001164508.2(NEB):c.16278del (p.Ser5427fs)

Gene: NEB (nebulin; minus strand). Cytogenetic location: 2q23.3.
Variant type: Deletion.
Coding change: c.16278del on transcript NM_001164508.2 (MANE Select); coding-DNA position 16278, one base deleted (C; older notation c.16278delC).
Protein change: p.Ser5427fs; shifts the reading frame from serine 5427.
Molecular consequence: frameshift variant. On other transcripts: intron variant (1).
Genome position (GRCh38, 1-based): chr2:151,581,489, G deleted on the plus strand (C on the coding strand, the reverse complement: NEB is on the minus strand). VCF-style (leftmost placement, unchanged base first): chr2-151581488-TG-T. GRCh37 (hg19) VCF-style: chr2-152438002-TG-T.
Other names: c.16278del, p.Ser5427fs (NM_001164507.2, NM_001271208.2); c.11602-5135del (NM_004543.5); short protein forms S5427fs.
Identifiers: ClinVar variation 5006091 (VCV005006091.2).

ClinVar aggregate classification (germline): Likely pathogenic (1 of 4 stars; one submission).

Conditions:
Arthrogryposis multiplex congenita 6. Identifiers: MedGen C5543431, MONDO:0030281, OMIM 619334.
Nemaline myopathy 2 (NEM2). Also called: Nemaline myopathy 2, autosomal recessive. Identifiers: MedGen C1850569, MONDO:0009725, OMIM 256030.

Submission:

Juno Genomics, Hangzhou Juno Genomics, Inc
Classification: Likely pathogenic for Nemaline myopathy 2; Arthrogryposis multiplex congenita 6. Review status: criteria provided, single submitter. Criteria: ACMG Guidelines, 2015. Collection method: clinical testing. Allele origin: germline.
Comment: Null variant in a gene where loss of function (LOF) is a known mechanism of disease.;Absent from controls (or at extremely low frequency if recessive) in Genome Aggregation Database.